The following is an entry in ClinVar:

NM_032119.4(ADGRV1):c.9888G>A (p.Gly3296=)

Gene: ADGRV1 (adhesion G protein-coupled receptor V1; plus strand). Cytogenetic location: 5q14.3.
Variant type: single nucleotide variant.
Coding change: c.9888G>A on transcript NM_032119.4 (MANE Select); coding-DNA position 9888, G replaced by A.
Protein change: p.Gly3296=; no amino-acid change (glycine 3296 retained).
Molecular consequence: synonymous variant. On other transcripts: non-coding transcript variant (1).
Genome position (GRCh38, 1-based): chr5:90,724,971, G>A. VCF-style: chr5-90724971-G-A. GRCh37 (hg19) VCF-style: chr5-90020788-G-A.
Identifiers: ClinVar variation 163591 (VCV000163591.15), dbSNP rs372603399, ClinGen allele CA176210.
Genomic context (GRCh38, chr5:90,724,971, plus strand): 5'-AAATTTAATATATGGTATAATGTTAAGAAAATCATCTGTTACTGTTTACCGATGGCAGGG[G>A]ATTTTTATTCCAGTTGAGGTAAACATCAGTATTTTTTTATAGTACAAAAATAAAATGTGC-3'
Protein context (NP_115495.3, residues 3286-3306): KSSVTVYRWQ[Gly3296=]IFIPVEDLNI

ClinVar aggregate classification (germline): Likely benign. Review status: criteria provided, multiple submitters, no conflicts (2 of 4 stars). 4 submissions from 4 submitters: Likely benign (3). 1 of the submissions does not count toward it. Last evaluated 2026-01-13.

Conditions:
ADGRV1-related disorder. Also called: ADGRV1-related condition; ADGRV1-related disorders.

Allele frequency attached by ClinVar (database versions not stated): ExAC 0.00004; gnomAD exomes 0.00004; TOPMed 0.00006; gnomAD 0.00007 and 0.00008; ESP Exome Variant Server 0.00017.
gnomAD v4.1: 179 of 1,600,890 alleles (0.011%); highest among the groups gnomAD compares: Middle Eastern, 0.017%; no homozygotes.

Submissions (4):

Labcorp Genetics (formerly Invitae), Labcorp
Classification: Likely benign. Last evaluated: 2026-01-13. Review status: criteria provided, single submitter. Criteria: Invitae Variant Classification Sherloc (09022015). Collection method: clinical testing. Allele origin: germline.

Blueprint Genetics
Classification: Likely benign. Last evaluated: 2024-05-06. Review status: criteria provided, single submitter. Criteria: ACMG Guidelines, 2015. Collection method: clinical testing. Allele origin: germline.

Laboratory for Molecular Medicine, Mass General Brigham Personalized Medicine
Classification: Likely benign. Last evaluated: 2013-05-09. Review status: criteria provided, single submitter. Criteria: LMM Criteria. Collection method: clinical testing. Allele origin: germline. Observed: 1 variant allele.
Comment: Gly3296Gly in exon 46 of GPR98: This variant is not expected to have clinical si gnificance because it does not alter an amino acid residue, it is not located wi thin the splice consensus sequence, and it has been identified in 0.02% (2/8112) of European American chromosomes by the NHLBI Exome Sequencing Project.

PreventionGenetics, part of Exact Sciences
Classification: Likely benign for ADGRV1-related condition. Last evaluated: 2019-11-20. Review status: no assertion criteria provided. Collection method: clinical testing. Allele origin: germline. Not counted in ClinVar's aggregate classification.
Comment: This variant is classified as likely benign based on ACMG/AMP sequence variant interpretation guidelines (Richards et al. 2015 PMID: 25741868, with internal and published modifications).